The following is an entry in ClinVar:

ClinVar aggregate classification (germline): Uncertain significance (1 of 4 stars; one submission).

Conditions:
Chédiak-Higashi syndrome (CHS). Also called: Chediak-Higashi Syndrome. Identifiers: Orphanet 167, MedGen C0007965, MONDO:0008963, OMIM 214500.

Allele frequency attached by ClinVar (database versions not stated): ExAC 0.00001.
gnomAD v4.1: 18 of 1,613,504 alleles (0.0011%); highest among the groups gnomAD compares: East Asian, 0.011%; no homozygotes.

Submission:

Labcorp Genetics (formerly Invitae), Labcorp
Classification: Uncertain significance for Chédiak-Higashi syndrome. Last evaluated: 2022-07-06. Review status: criteria provided, single submitter. Criteria: Invitae Variant Classification Sherloc (09022015). Collection method: clinical testing. Allele origin: germline.
Comment: This sequence change replaces arginine, which is basic and polar, with histidine, which is basic and polar, at codon 2102 of the LYST protein (p.Arg2102His). This variant is present in population databases (rs201095810, gnomAD 0.009%). This variant has not been reported in the literature in individuals affected with LYST-related conditions. ClinVar contains an entry for this variant (Variation ID: 1025919). Algorithms developed to predict the effect of missense changes on protein structure and function are either unavailable or do not agree on the potential impact of this missense change (SIFT: "Tolerated"; PolyPhen-2: "Probably Damaging"; Align-GVGD: "Class C0"). In summary, the available evidence is currently insufficient to determine the role of this variant in disease. Therefore, it has been classified as a Variant of Uncertain Significance.

NM_000081.4(LYST):c.6305G>A (p.Arg2102His)

Gene: LYST (lysosomal trafficking regulator; minus strand). Cytogenetic location: 1q42.3.
Variant type: single nucleotide variant.
Coding change: c.6305G>A on transcript NM_000081.4 (MANE Select); coding-DNA position 6305, G replaced by A.
Protein change: p.Arg2102His; replaces arginine 2102 with histidine.
Molecular consequence: missense variant.
Genome position (GRCh38, 1-based): chr1:235,759,548, C>T on the plus strand (G>A on the coding strand, the complement: LYST is on the minus strand). VCF-style: chr1-235759548-C-T. GRCh37 (hg19) VCF-style: chr1-235922848-C-T.
Other names: c.6305G>A, p.Arg2102His (NM_001301365.1); short protein forms R2102H.
Identifiers: ClinVar variation 1025919 (VCV001025919.2), dbSNP rs201095810, ClinGen allele CA1466389.